The following is an entry in ClinVar:

ClinVar aggregate classification (germline): Uncertain significance (1 of 4 stars; one submission).

Conditions:
Hereditary cancer-predisposing syndrome. Also called: Neoplastic Syndromes, Hereditary; Tumor predisposition; Hereditary neoplastic syndrome; Hereditary Cancer Syndrome. Identifiers: Orphanet 140162, MedGen C0027672, MeSH D009386, MONDO:0015356.

Submission:

Ambry Genetics
Classification: Uncertain significance for Hereditary cancer-predisposing syndrome. Last evaluated: 2026-06-21. Review status: criteria provided, single submitter. Criteria: Ambry Variant Classification Scheme 2023. Collection method: clinical testing. Allele origin: germline.
Comment: The p.E910D variant (also known as c.2730G>T), located in coding exon 17 of the RAD50 gene, results from a G to T substitution at nucleotide position 2730. The glutamic acid at codon 910 is replaced by aspartic acid, an amino acid with highly similar properties. This amino acid position is conserved. In addition, this alteration is predicted to be tolerated by in silico analysis. Based on the available evidence, the clinical significance of this variant remains unclear.

NM_005732.4(RAD50):c.2730G>T (p.Glu910Asp)

Gene: RAD50 (RAD50 double strand break repair protein; plus strand). Cytogenetic location: 5q31.1.
Variant type: single nucleotide variant.
Coding change: c.2730G>T on transcript NM_005732.4 (MANE Select); coding-DNA position 2730, G replaced by T.
Protein change: p.Glu910Asp; replaces glutamic acid 910 with aspartic acid.
Molecular consequence: missense variant.
Genome position (GRCh38, 1-based): chr5:132,608,626, G>T. VCF-style: chr5-132608626-G-T. GRCh37 (hg19) VCF-style: chr5-131944318-G-T.
Other names: short protein forms E910D.
Identifiers: ClinVar variation 5027699 (VCV005027699.1).